The following is an entry in ClinVar:

ClinVar aggregate classification (germline): Benign/Likely benign. Review status: criteria provided, multiple submitters, no conflicts (2 of 4 stars). 3 submissions from 3 submitters: Benign (1); Likely benign (2). Last evaluated 2025-07-09.

Conditions:
Tuberous sclerosis 2 (TSC2). Identifiers: Orphanet 805, MedGen C1860707, MONDO:0013199, OMIM 613254.
Hereditary cancer-predisposing syndrome. Also called: Tumor predisposition; Neoplastic Syndromes, Hereditary; Hereditary Cancer Syndrome; Hereditary neoplastic syndrome. Identifiers: Orphanet 140162, MedGen C0027672, MeSH D009386, MONDO:0015356.

Submissions (3):

Labcorp Genetics (formerly Invitae), Labcorp
Classification: Likely benign for Tuberous sclerosis 2. Last evaluated: 2025-07-09. Review status: criteria provided, single submitter. Criteria: Invitae Variant Classification Sherloc (09022015). Collection method: clinical testing. Allele origin: germline.

Myriad Genetics, Inc.
Classification: Benign for Tuberous sclerosis 2. Last evaluated: 2025-05-14. Review status: criteria provided, single submitter. Criteria: Myriad Autosomal Dominant, Autosomal Recessive and X-Linked Classification Criteria (2023). Collection method: clinical testing. Allele origin: unknown.
Comment: This variant is considered benign. This variant is a silent/synonymous amino acid change and it is not expected to impact splicing.

Ambry Genetics
Classification: Likely benign for Hereditary cancer-predisposing syndrome. Last evaluated: 2020-10-08. Review status: criteria provided, single submitter. Criteria: Ambry Variant Classification Scheme 2023. Collection method: clinical testing. Allele origin: germline.

NM_000548.5(TSC2):c.1410C>T (p.Ser470=)

Gene: TSC2 (TSC complex subunit 2; plus strand). Cytogenetic location: 16p13.3.
Variant type: single nucleotide variant.
Coding change: c.1410C>T on transcript NM_000548.5 (MANE Select); coding-DNA position 1410, C replaced by T.
Protein change: p.Ser470=; no amino-acid change (serine 470 retained).
Molecular consequence: synonymous variant.
Genome position (GRCh38, 1-based): chr16:2,063,020, C>T. VCF-style: chr16-2063020-C-T. GRCh37 (hg19) VCF-style: chr16-2113021-C-T.
Other names: c.1410C>T, p.Ser470= (NM_001077183.3, NM_001114382.3, NM_001363528.2 and 3 more transcripts); c.1299C>T, p.Ser433= (NM_001318827.2); c.1263C>T, p.Ser421= (NM_001318829.2); c.810C>T, p.Ser270= (NM_001318831.2); c.1443C>T, p.Ser481= (NM_001318832.2).
Identifiers: ClinVar variation 1089162 (VCV001089162.12), dbSNP rs2151172357, ClinGen allele CA492962565.